The following is an entry in ClinVar:

ClinVar aggregate classification (germline): Pathogenic (1 of 4 stars; one submission).

Conditions:
Facial dysmorphism-lens dislocation-anterior segment abnormalities-spontaneous filtering blebs syndrome. Also called: TRABOULSI SYNDROME; Facial dysmorphism, lens dislocation, anterior segment abnormalities, and spontaneous filtering blebs. Identifiers: Orphanet 412022, MedGen C1832167, MONDO:0011106, OMIM 601552.

gnomAD v4.1: 1 of 1,613,960 alleles (0.000062%); highest among the groups gnomAD compares: Non-Finnish European, 0.000085%; no homozygotes.

Submission:

Randwick Genomics Laboratory, Prince of Wales Hospital Sydney, Australia, New South Wales Health Pathology
Classification: Pathogenic for Facial dysmorphism-lens dislocation-anterior segment abnormalities-spontaneous filtering blebs syndrome. Review status: criteria provided, single submitter. Criteria: ACMG Guidelines, 2015. Collection method: clinical testing. Allele origin: germline. Affected: yes.
Comment: PVS1, PM2, PM3

Multiple affected individuals, AR compound heterozygote

NM_004318.4(ASPH):c.1782G>A (p.Trp594Ter)

Gene: ASPH (aspartate beta-hydroxylase; minus strand). Cytogenetic location: 8q12.3.
Variant type: single nucleotide variant.
Coding change: c.1782G>A on transcript NM_004318.4 (MANE Select); coding-DNA position 1782, G replaced by A.
Protein change: p.Trp594Ter; replaces tryptophan 594 with a stop codon.
Molecular consequence: nonsense.
Genome position (GRCh38, 1-based): chr8:61,526,095, C>T on the plus strand (G>A on the coding strand, the complement: ASPH is on the minus strand). VCF-style: chr8-61526095-C-T. GRCh37 (hg19) VCF-style: chr8-62438654-C-T.
Other names: c.1695G>A, p.Trp565Ter (NM_001164750.2); short protein forms W565*, W594*.
Identifiers: ClinVar variation 1210220 (VCV001210220.2), dbSNP rs749202132, ClinGen allele CA371315395.
Genomic context (GRCh38, chr8:61,526,095, plus strand): 5'-AGGCAGGAAGAGACCTTTGGCTTTATCCATCACTGCAAGGCCTTCATCTCGGATTAACTT[C>T]CAGTTTCTTTCTAAAGACTAGAGGGAAGATTCTGGCTTTACTGGACTGAAAAAGGGCCTG-3'